The following is an entry in ClinVar:

NM_000204.5(CFI):c.930C>A (p.Asp310Glu)

Gene: CFI (complement factor I; minus strand). Cytogenetic location: 4q25.
Variant type: single nucleotide variant.
Coding change: c.930C>A on transcript NM_000204.5 (MANE Select); coding-DNA position 930, C replaced by A.
Protein change: p.Asp310Glu; replaces aspartic acid 310 with glutamic acid.
Molecular consequence: missense variant. On other transcripts: non-coding transcript variant (3), intron variant (1).
Genome position (GRCh38, 1-based): chr4:109,752,478, G>T on the plus strand (C>A on the coding strand, the complement: CFI is on the minus strand). VCF-style: chr4-109752478-G-T. GRCh37 (hg19) VCF-style: chr4-110673634-G-T.
Other names: c.954C>A, p.Asp318Glu (NM_001318057.2, NM_001375278.1, NM_001440988.1); c.909C>A, p.Asp303Glu (NM_001331035.2, NM_001375280.1, NM_001375282.1 and 1 more transcripts); c.930C>A, p.Asp310Glu (NM_001375279.1, NM_001375281.1, NM_001440989.1); c.321C>A, p.Asp107Glu (NM_001375284.1); c.951C>A, p.Asp317Glu (NM_001440985.1, NM_001440986.1); c.884-2876C>A (NM_001375283.1); short protein forms D107E, D303E, D310E, D317E, D318E.
Identifiers: ClinVar variation 4280457 (VCV004280457.1).
Genomic context (GRCh38, chr4:109,752,478, plus strand): 5'-TACAGCCTAAACCAGTGAGCCACCAATAAAAAAGTATAACGTTAGCTTACCTGCATCCAT[G>T]TCAGCAGTCAAAATTTCTGTTTCTTCTATGATAAAACAAAAGATTCCAATGTTTAAAGTT-3'
Protein context (NP_000195.3, residues 300-320): TQEETEILTA[Asp310Glu]MDAERRRIKS

ClinVar aggregate classification (germline): Likely pathogenic, low penetrance (1 of 4 stars; one submission).

Conditions:
CFI-related disorder. Also called: CFI-related condition; CFI-related disorders. Identifiers: MedGen CN239325.

gnomAD v4.1: 1 of 1,613,274 alleles (0.000062%); highest among the groups gnomAD compares: Non-Finnish European, 0.000085%; no homozygotes.

Submission:

Genomenon, Inc
Classification: Likely pathogenic, low penetrance for CFI-related disorder. Last evaluated: 2025-09-26. Review status: criteria provided, single submitter. Criteria: Genomenon Sequence Variant Interpretation Standards - Updated. Collection method: curation. Allele origin: germline. Affected: no.
Comment: CFI p.Asp310Glu (c.930C>A) is a missense variant that changes the amino acid at residue 310 from Aspartic acid to Glutamic acid. To our knowledge, this variant has not been reported in patients affected with CFI-related disorders in the published literature. At least one functional study has demonstrated a substantial alteration in protein function relative to the wild-type (PMID:32510551). It is absent or not present at a significant frequency in gnomAD. In silico models agree that this variant is not damaging. In conclusion, we classify CFI p.Asp310Glu (c.930C>A) as a likely pathogenic, low penetrance variant.

Literature cited by the submitters: PubMed 32510551.